The following is an entry in ClinVar:

ClinVar aggregate classification (germline): Uncertain significance (1 of 4 stars; one submission).

Allele frequency attached by ClinVar (database versions not stated): gnomAD exomes below 0.00001.
gnomAD v4.1: 2 of 1,613,486 alleles (0.00012%); highest among the groups gnomAD compares: Middle Eastern, 0.017%; no homozygotes.

Submission:

Labcorp Genetics (formerly Invitae), Labcorp
Classification: Uncertain significance. Last evaluated: 2024-05-22. Review status: criteria provided, single submitter. Criteria: Invitae Variant Classification Sherloc (09022015). Collection method: clinical testing. Allele origin: germline.
Comment: This sequence change replaces alanine, which is neutral and non-polar, with threonine, which is neutral and polar, at codon 610 of the GSN protein (p.Ala610Thr). This variant is not present in population databases (gnomAD no frequency). This variant has not been reported in the literature in individuals affected with GSN-related conditions. Advanced modeling of protein sequence and biophysical properties (such as structural, functional, and spatial information, amino acid conservation, physicochemical variation, residue mobility, and thermodynamic stability) performed at Invitae indicates that this missense variant is not expected to disrupt GSN protein function with a negative predictive value of 80%. In summary, the available evidence is currently insufficient to determine the role of this variant in disease. Therefore, it has been classified as a Variant of Uncertain Significance.

NM_198252.3(GSN):c.1675G>A (p.Ala559Thr)

Gene: GSN (gelsolin; plus strand). Cytogenetic location: 9q33.2.
Variant type: single nucleotide variant.
Coding change: c.1675G>A on transcript NM_198252.3 (MANE Select); coding-DNA position 1675, G replaced by A.
Protein change: p.Ala559Thr; replaces alanine 559 with threonine.
Molecular consequence: missense variant.
Genome position (GRCh38, 1-based): chr9:121,327,395, G>A. VCF-style: chr9-121327395-G-A. GRCh37 (hg19) VCF-style: chr9-124089673-G-A.
Other names: c.1828G>A, p.Ala610Thr (NM_000177.5); c.1675G>A, p.Ala559Thr (NM_001127662.2, NM_001353056.2, NM_001353057.2 and 10 more transcripts); c.1708G>A, p.Ala570Thr (NM_001353063.2, NM_001353064.2, NM_001353075.1 and 13 more transcripts); c.1747G>A, p.Ala583Thr (NM_001353076.2); c.1021G>A, p.Ala341Thr (NM_001353078.2); c.1783G>A, p.Ala595Thr (NM_001127663.2); c.1726G>A, p.Ala576Thr (NM_001258029.2); c.1699G>A, p.Ala567Thr (NM_001258030.2); short protein forms A567T, A583T, A595T, A570T, A576T, A341T, A559T, A610T.
Identifiers: ClinVar variation 2895093 (VCV002895093.3), dbSNP rs1022049924, ClinGen allele CA199414698.